The following is an entry in ClinVar:

ClinVar aggregate classification (germline): Uncertain significance (1 of 4 stars; one submission).

Allele frequency attached by ClinVar (database versions not stated): gnomAD exomes below 0.00001.
gnomAD v4.1: 2 of 1,612,446 alleles (0.00012%); highest among the groups gnomAD compares: Non-Finnish European, 0.00017%; no homozygotes.

Submission:

Ambry Genetics
Classification: Uncertain significance. Last evaluated: 2023-03-05. Review status: criteria provided, single submitter. Criteria: Ambry Variant Classification Scheme 2023. Collection method: clinical testing. Allele origin: germline.
Comment: The p.G1246V variant (also known as c.3737G>T), located in coding exon 31 of the PRKDC gene, results from a G to T substitution at nucleotide position 3737. The glycine at codon 1246 is replaced by valine, an amino acid with dissimilar properties. This amino acid position is conserved. Since supporting evidence is limited at this time, the clinical significance of this alteration remains unclear.

NM_006904.7(PRKDC):c.3737G>T (p.Gly1246Val)

Gene: PRKDC (protein kinase, DNA-activated, catalytic subunit; minus strand). Cytogenetic location: 8q11.21.
Variant type: single nucleotide variant.
Coding change: c.3737G>T on transcript NM_006904.7 (MANE Select); coding-DNA position 3737, G replaced by T.
Protein change: p.Gly1246Val; replaces glycine 1246 with valine.
Molecular consequence: missense variant.
Genome position (GRCh38, 1-based): chr8:47,893,249, C>A on the plus strand (G>T on the coding strand, the complement: PRKDC is on the minus strand). VCF-style: chr8-47893249-C-A. GRCh37 (hg19) VCF-style: chr8-48805810-C-A.
Other names: c.3737G>T, p.Gly1246Val (NM_001081640.2); short protein forms G1246V.
Identifiers: ClinVar variation 3225848 (VCV003225848.1), dbSNP rs987148804, ClinGen allele CA371150479.
Genomic context (GRCh38, chr8:47,893,249, plus strand): 5'-CACTCCAACGCGGCCAGGAGCAGGTCCAGCCAGCATAGCGTGGCCTGCAGGCTGAATGGC[C>A]CCCGAAGGTACAAGAGGGTGGGCTGGGCCAGGATGCCCGAGGGCTGGCCACAGCCACCCC-3'
Protein context (NP_008835.5, residues 1236-1256): LAQPTLLYLR[Gly1246Val]PFSLQATLCW